The following is an entry in ClinVar:

NM_017617.5(NOTCH1):c.5935-3C>T

Genes: NOTCH1 (notch receptor 1; minus strand), LOC126860794 (BRD4-independent group 4 enhancer GRCh37_chr9:139392592-139393791; plus strand). Cytogenetic location: 9q34.3.
Variant type: single nucleotide variant.
Coding change: c.5935-3C>T on transcript NM_017617.5 (MANE Select); 3 bases into the intron before coding-DNA position 5935, C replaced by T.
Molecular consequence: intron variant.
Genome position (GRCh38, 1-based): chr9:136,499,262, G>A on the plus strand (C>T on the coding strand, the complement: NOTCH1 is on the minus strand). VCF-style: chr9-136499262-G-A. GRCh37 (hg19) VCF-style: chr9-139393714-G-A.
Identifiers: ClinVar variation 4740148 (VCV004740148.1).

ClinVar aggregate classification (germline): Uncertain significance (1 of 4 stars; one submission).

Conditions:
Adams-Oliver syndrome 5 (AOS5). Identifiers: Orphanet 974, MedGen C4014970, MONDO:0014459, OMIM 616028.

gnomAD v4.1: 18 of 1,612,234 alleles (0.0011%); highest among the groups gnomAD compares: East Asian, 0.04%; no homozygotes.

Submission:

Labcorp Genetics (formerly Invitae), Labcorp
Classification: Uncertain significance for Adams-Oliver syndrome 5. Last evaluated: 2025-03-20. Review status: criteria provided, single submitter. Criteria: Invitae Variant Classification Sherloc (09022015). Collection method: clinical testing. Allele origin: germline.
Comment: This sequence change falls in intron 31 of the NOTCH1 gene. It does not directly change the encoded amino acid sequence of the NOTCH1 protein. It affects a nucleotide within the consensus splice site. This variant is present in population databases (rs751824689, gnomAD 0.02%). This variant has not been reported in the literature in individuals affected with NOTCH1-related conditions. Variants that disrupt the consensus splice site are a relatively common cause of aberrant splicing (PMID: 17576681, 9536098). Algorithms developed to predict the effect of sequence changes on RNA splicing suggest that this variant is not likely to affect RNA splicing. In summary, the available evidence is currently insufficient to determine the role of this variant in disease. Therefore, it has been classified as a Variant of Uncertain Significance.

Literature cited by the submitters: PubMed 17576681; PubMed 9536098.